The following is an entry in ClinVar:

ClinVar aggregate classification (germline): Uncertain significance (1 of 4 stars; one submission).

gnomAD v4.1: 3 of 1,599,262 alleles (0.00019%); highest among the groups gnomAD compares: Non-Finnish European, 0.00026%; no homozygotes.

Submission:

Labcorp Genetics (formerly Invitae), Labcorp
Classification: Uncertain significance. Last evaluated: 2024-06-28. Review status: criteria provided, single submitter. Criteria: Invitae Variant Classification Sherloc (09022015). Collection method: clinical testing. Allele origin: germline.
Comment: This sequence change replaces cysteine, which is neutral and slightly polar, with arginine, which is basic and polar, at codon 856 of the MICAL1 protein (p.Cys856Arg). This variant is not present in population databases (gnomAD no frequency). This variant has not been reported in the literature in individuals affected with MICAL1-related conditions. An algorithm developed to predict the effect of missense changes on protein structure and function (PolyPhen-2) suggests that this variant is likely to be tolerated. In summary, the available evidence is currently insufficient to determine the role of this variant in disease. Therefore, it has been classified as a Variant of Uncertain Significance.

NM_022765.4(MICAL1):c.2509T>C (p.Cys837Arg)

Gene: MICAL1 (microtubule associated monooxygenase, calponin and LIM domain containing 1; minus strand). Cytogenetic location: 6q21.
Variant type: single nucleotide variant.
Coding change: c.2509T>C on transcript NM_022765.4 (MANE Select); coding-DNA position 2509, T replaced by C.
Protein change: p.Cys837Arg; replaces cysteine 837 with arginine.
Molecular consequence: missense variant.
Genome position (GRCh38, 1-based): chr6:109,446,208, A>G on the plus strand (T>C on the coding strand, the complement: MICAL1 is on the minus strand). VCF-style: chr6-109446208-A-G. GRCh37 (hg19) VCF-style: chr6-109767411-A-G.
Other names: c.2251T>C, p.Cys751Arg (NM_001159291.2); c.2566T>C, p.Cys856Arg (NM_001286613.2); short protein forms C837R, C751R, C856R.
Identifiers: ClinVar variation 3697896 (VCV003697896.2).